The following is an entry in ClinVar:

NM_000088.4(COL1A1):c.3431dup (p.Gly1145fs)

Gene: COL1A1 (collagen type I alpha 1 chain; minus strand). Cytogenetic location: 17q21.33.
Variant type: Duplication.
Coding change: c.3431dup on transcript NM_000088.4 (MANE Select); coding-DNA position 3431, one base duplicated (C; older notation c.3431dupC).
Protein change: p.Gly1145fs; shifts the reading frame from glycine 1145.
Molecular consequence: frameshift variant.
Genome position (GRCh38, 1-based): chr17:50,187,115, G duplicated on the plus strand (C on the coding strand, the reverse complement: COL1A1 is on the minus strand); the first of 5 consecutive G bases (chr17:50,187,115-50,187,119); duplicating any one gives the same sequence. VCF-style (leftmost placement, unchanged base first): chr17-50187114-A-AG. GRCh37 (hg19) VCF-style: chr17-48264475-A-AG.
Other names: c.3431dupC (NM_000088.3); short protein forms G1145fs.
Identifiers: ClinVar variation 526858 (VCV000526858.7), dbSNP rs1555571942, ClinGen allele CA658798887.

ClinVar aggregate classification (germline): Pathogenic (1 of 4 stars; one submission).

Conditions:
Osteogenesis imperfecta type I (OI1). Also called: Osteogenesis imperfecta type 1; OI, TYPE I; OSTEOGENESIS IMPERFECTA TARDA; OSTEOGENESIS IMPERFECTA WITH BLUE SCLERAE; Lobstein's Disease; Lobstein disease. Identifiers: Orphanet 216796, Orphanet 666, MedGen C0023931, MONDO:0008146, OMIM 166200. Disease mechanism: loss of function.

Submission:

Labcorp Genetics (formerly Invitae), Labcorp
Classification: Pathogenic for Osteogenesis imperfecta type I. Last evaluated: 2017-08-29. Review status: criteria provided, single submitter. Criteria: Invitae Variant Classification Sherloc (09022015). Collection method: clinical testing. Allele origin: germline.
Comment: For these reasons, this variant has been classified as Pathogenic. Loss-of-function variants in COL1A1 are known to be pathogenic (PMID: 7942841, 9295084, 9443882). This variant has not been reported in the literature in individuals with COL1A1-related disease. This variant is not present in population databases (ExAC no frequency). This sequence change creates a premature translational stop signal (p.Gly1145Trpfs*29) in the COL1A1 gene. It is expected to result in an absent or disrupted protein product.

Literature cited by the submitters: PubMed 7942841; PubMed 9295084; PubMed 9443882.